The following is an entry in ClinVar:

NM_001042517.2(DIAPH3):c.1311_1315del (p.Ile438fs)

Gene: DIAPH3 (diaphanous related formin 3; minus strand). Cytogenetic location: 13q21.2.
Variant type: Microsatellite.
Coding change: c.1311_1315del on transcript NM_001042517.2 (MANE Select); coding-DNA positions 1311 to 1315, 5 bases deleted (TATTT; older notation c.1311_1315delTATTT).
Protein change: p.Ile438fs; shifts the reading frame from isoleucine 438.
Molecular consequence: frameshift variant.
Genome position (GRCh38, 1-based): chr13:59,991,204-59,991,208, AAATA deleted on the plus strand (TATTT on the coding strand, the reverse complement: DIAPH3 is on the minus strand); deleting any 5 consecutive bases within chr13:59,991,204-59,991,213 gives the same sequence; the c. name uses the placement nearest the transcript's 3' end. VCF-style (leftmost placement, unchanged base first): chr13-59991203-GAAATA-G. GRCh37 (hg19) VCF-style: chr13-60565337-GAAATA-G.
Other names: c.1278_1282del, p.Ile427fs (NM_001258366.2); c.1173_1177del, p.Ile392fs (NM_001258367.2); c.1101_1105del, p.Ile368fs (NM_001258368.2); c.1311_1315del, p.Ile438fs (NM_001258369.2); c.522_526del, p.Ile175fs (NM_001258370.2, NM_030932.4); short protein forms I392fs, I368fs, I438fs, I427fs, I175fs.
Identifiers: ClinVar variation 3724105 (VCV003724105.2).
Genomic context (GRCh38, chr13:59,991,203, plus strand): 5'-ACAACTTCCTCTTACCTTATAAAATAATCATTTCGAATCAGCAAAAGATGCTGAAGAATA[GAAATA>G]AAATATCCCTCTGCTCTAGTTTCTTTAACTGTGCTCCACACCATGTTGTAAACATCATAT-3'

ClinVar aggregate classification (germline): Uncertain significance (1 of 4 stars; one submission).

Submission:

Labcorp Genetics (formerly Invitae), Labcorp
Classification: Uncertain significance. Last evaluated: 2024-10-30. Review status: criteria provided, single submitter. Criteria: Invitae Variant Classification Sherloc (09022015). Collection method: clinical testing. Allele origin: germline.
Comment: This sequence change creates a premature translational stop signal (p.Ile438Tyrfs*11) in the DIAPH3 gene. It is expected to result in an absent or disrupted protein product. However, the current clinical and genetic evidence is not sufficient to establish whether loss-of-function variants in DIAPH3 cause disease. This variant is not present in population databases (gnomAD no frequency). This variant has not been reported in the literature in individuals affected with DIAPH3-related conditions. Algorithms developed to predict the effect of sequence changes on RNA splicing suggest that this variant may create or strengthen a splice site. In summary, the available evidence is currently insufficient to determine the role of this variant in disease. Therefore, it has been classified as a Variant of Uncertain Significance.